The following is an entry in ClinVar:

ClinVar aggregate classification (germline): Likely benign. Review status: criteria provided, multiple submitters, no conflicts (2 of 4 stars). 3 submissions from 3 submitters: Likely benign (2). 1 of the submissions does not count toward it. Last evaluated 2025-01-21.

Conditions:
PIEZO1-related disorder. Also called: PIEZO1-related condition; PIEZO1-Related Disorders.

Allele frequency attached by ClinVar (database versions not stated): TOPMed 0.00006; gnomAD exomes 0.00010; gnomAD 0.00011; ExAC 0.00012; 1000 Genomes Project 30x 0.00047; 1000 Genomes Project 0.00060.

Submissions (3):

Labcorp Genetics (formerly Invitae), Labcorp
Classification: Likely benign. Last evaluated: 2025-01-21. Review status: criteria provided, single submitter. Criteria: Invitae Variant Classification Sherloc (09022015). Collection method: clinical testing. Allele origin: germline.

Blueprint Genetics
Classification: Likely benign. Last evaluated: 2024-07-22. Review status: criteria provided, single submitter. Criteria: ACMG Guidelines, 2015. Collection method: clinical testing. Allele origin: germline.

PreventionGenetics, part of Exact Sciences
Classification: Likely benign for PIEZO1-related condition. Last evaluated: 2023-07-07. Review status: no assertion criteria provided. Collection method: clinical testing. Allele origin: germline. Not counted in ClinVar's aggregate classification.
Comment: This variant is classified as likely benign based on ACMG/AMP sequence variant interpretation guidelines (Richards et al. 2015 PMID: 25741868, with internal and published modifications).

NM_001142864.4(PIEZO1):c.84C>T (p.Ser28=)

Gene: PIEZO1 (piezo type mechanosensitive ion channel component 1 (Er blood group); minus strand). Cytogenetic location: 16q24.3.
Variant type: single nucleotide variant.
Coding change: c.84C>T on transcript NM_001142864.4 (MANE Select); coding-DNA position 84, C replaced by T.
Protein change: p.Ser28=; no amino-acid change (serine 28 retained).
Molecular consequence: synonymous variant.
Genome position (GRCh38, 1-based): chr16:88,749,460, G>A on the plus strand (C>T on the coding strand, the complement: PIEZO1 is on the minus strand). VCF-style: chr16-88749460-G-A. GRCh37 (hg19) VCF-style: chr16-88815868-G-A.
Identifiers: ClinVar variation 3047887 (VCV003047887.5), dbSNP rs368952385, ClinGen allele CA8233433.